The following is an entry in ClinVar:

NM_033118.4(MYLK2):c.1284C>T (p.Gly428=)

Gene: MYLK2 (myosin light chain kinase 2; plus strand). Cytogenetic location: 20q11.21.
Variant type: single nucleotide variant.
Coding change: c.1284C>T on transcript NM_033118.4 (MANE Select); coding-DNA position 1284, C replaced by T.
Protein change: p.Gly428=; no amino-acid change (glycine 428 retained).
Molecular consequence: synonymous variant.
Genome position (GRCh38, 1-based): chr20:31,830,878, C>T. VCF-style: chr20-31830878-C-T. GRCh37 (hg19) VCF-style: chr20-30418681-C-T.
Identifiers: ClinVar variation 164508 (VCV000164508.12), dbSNP rs727503305, ClinGen allele CA177209.

ClinVar aggregate classification (germline): Likely benign. Review status: criteria provided, multiple submitters, no conflicts (2 of 4 stars). 2 submissions from 2 submitters: Likely benign (2). Last evaluated 2022-03-18.

Conditions:
Hypertrophic cardiomyopathy 1 (CMH1). Also called: MYH7-Related Familial Hypertrophic Cardiomyopathy; Familial hypertrophic cardiomyopathy 1. Identifiers: MedGen C3495498, MONDO:0008647, OMIM 192600.

Allele frequency attached by ClinVar (database versions not stated): gnomAD exomes 0.00004 and 0.00002; ExAC 0.00007; TOPMed 0.00001; gnomAD 0.00002.
gnomAD v4.1: 28 of 1,613,256 alleles (0.0017%); highest among the groups gnomAD compares: Non-Finnish European, 0.0023%; no homozygotes.

Submissions (2):

Labcorp Genetics (formerly Invitae), Labcorp
Classification: Likely benign for Hypertrophic cardiomyopathy 1. Last evaluated: 2022-03-18. Review status: criteria provided, single submitter. Criteria: Invitae Variant Classification Sherloc (09022015). Collection method: clinical testing. Allele origin: germline.

Laboratory for Molecular Medicine, Mass General Brigham Personalized Medicine
Classification: Likely benign. Last evaluated: 2014-04-17. Review status: criteria provided, single submitter. Criteria: LMM Criteria. Collection method: clinical testing. Allele origin: germline. Observed: 1 variant allele.
Comment: Gly428Gly in exon 9 of MYLK2: This variant is not expected to have clinical sign ificance because it does not alter an amino acid residue and is not located with in the splice consensus sequence.